The following is an entry in ClinVar:

NM_001876.4(CPT1A):c.281+1G>A

Gene: CPT1A (carnitine palmitoyltransferase 1A; minus strand). Cytogenetic location: 11q13.3.
Variant type: single nucleotide variant.
Coding change: c.281+1G>A on transcript NM_001876.4 (MANE Select); the canonical splice donor site of the intron after coding-DNA position 281, G replaced by A.
Molecular consequence: splice donor variant.
Genome position (GRCh38, 1-based): chr11:68,812,436, C>T on the plus strand (G>A on the coding strand, the complement: CPT1A is on the minus strand). VCF-style: chr11-68812436-C-T. GRCh37 (hg19) VCF-style: chr11-68579904-C-T.
Other names: c.281+1G>A (NM_001031847.3).
Identifiers: ClinVar variation 93973 (VCV000093973.13), dbSNP rs191107774, ClinGen allele CA221858.

ClinVar aggregate classification (germline): Pathogenic. Review status: criteria provided, multiple submitters, no conflicts (2 of 4 stars). 4 submissions from 4 submitters: Pathogenic (4). Last evaluated 2025-07-21.

Conditions:
Carnitine palmitoyl transferase 1A deficiency. Also called: Carnitine palmitoyltransferase type I deficiency; CPT I DEFICIENCY; CPT DEFICIENCY, HEPATIC, TYPE I; Carnitine palmitoyltransferase 1A deficiency; CPT deficiency, hepatic, type IA. Identifiers: Orphanet 156, MedGen C1829703, MONDO:0009705, OMIM 255120.

Allele frequency attached by ClinVar (database versions not stated): gnomAD 0.00001; gnomAD exomes 0.00001; 1000 Genomes Project 30x 0.00016; 1000 Genomes Project 0.00020.
gnomAD v4.1: 5 of 1,614,228 alleles (0.00031%); highest among the groups gnomAD compares: East Asian, 0.0045%; no homozygotes.

Submissions (4):

Labcorp Genetics (formerly Invitae), Labcorp
Classification: Pathogenic for Carnitine palmitoyl transferase 1A deficiency. Last evaluated: 2025-07-21. Review status: criteria provided, single submitter. Criteria: Invitae Variant Classification Sherloc (09022015). Collection method: clinical testing. Allele origin: germline.
Comment: This sequence change affects a donor splice site in intron 3 of the CPT1A gene. It is expected to disrupt RNA splicing. Variants that disrupt the donor or acceptor splice site typically lead to a loss of protein function (PMID: 16199547), and loss-of-function variants in CPT1A are known to be pathogenic (PMID: 16169268). This variant is present in population databases (rs191107774, gnomAD 0.007%). Disruption of this splice site has been observed in individuals with carnitine palmitoyltransferase 1A deficiency (PMID: 33845545, 34869124). ClinVar contains an entry for this variant (Variation ID: 93973). Algorithms developed to predict the effect of sequence changes on RNA splicing suggest that this variant may disrupt the consensus splice site. For these reasons, this variant has been classified as Pathogenic.

Natera, Inc.
Classification: Pathogenic for Carnitine palmitoyltransferase type I deficiency. Last evaluated: 2025-03-21. Review status: criteria provided, single submitter. Criteria: Natera Variant Classification Schema (03/2026). Collection method: clinical testing. Allele origin: germline.
Comment: The c.281+1G>A variant in CPT1A is a canonical splice donor site variant predicted to affect pre-mRNA splicing, which may result in an abnormal transcript and altered protein product. This variant is expected to result in nonsense mediated decay, truncation, or a dysfunctional protein product. This variant is rare in the general population with a frequency below the threshold expected for the associated phenotype(s). This variant has been observed in one or more individuals affected with the associated recessive disease, as either homozygous or compound heterozygous with a second variant (PMID: 34869124). Given the available evidence, this variant is classified as Pathogenic.

Baylor Genetics
Classification: Pathogenic for Carnitine palmitoyl transferase 1A deficiency. Last evaluated: 2023-07-21. Review status: criteria provided, single submitter. Criteria: ACMG Guidelines, 2015. Collection method: clinical testing. Allele origin: unknown.

Eurofins Ntd Llc (ga)
Classification: Pathogenic. Last evaluated: 2012-08-13. Review status: criteria provided, single submitter. Criteria: EGL Classification Definitions. Collection method: clinical testing. Allele origin: germline. Observed: 1 variant allele, 1 heterozygote.

Literature cited by the submitters: PubMed 16199547 (cited by Labcorp Genetics (formerly Invitae), Labcorp); PubMed 16169268 (cited by Labcorp Genetics (formerly Invitae), Labcorp); PubMed 33845545 (cited by Labcorp Genetics (formerly Invitae), Labcorp); PubMed 34869124 (cited by Labcorp Genetics (formerly Invitae), Labcorp and Natera, Inc.).